The following is an entry in ClinVar:

NM_001042492.3(NF1):c.3859T>A (p.Phe1287Ile)

Gene: NF1 (neurofibromin 1; plus strand). Cytogenetic location: 17q11.2.
Variant type: single nucleotide variant.
Coding change: c.3859T>A on transcript NM_001042492.3 (MANE Select); coding-DNA position 3859, T replaced by A.
Protein change: p.Phe1287Ile; replaces phenylalanine 1287 with isoleucine.
Molecular consequence: missense variant.
Genome position (GRCh38, 1-based): chr17:31,235,761, T>A. VCF-style: chr17-31235761-T-A. GRCh37 (hg19) VCF-style: chr17-29562779-T-A.
Other names: c.3859T>A, p.Phe1287Ile (NM_000267.4); short protein forms F1287I.
Identifiers: ClinVar variation 4861000 (VCV004861000.1).
Genomic context (GRCh38, chr17:31,235,761, plus strand): 5'-TTGGCAGACTCCATGCAGACTCTCTTCCGAGGCAACAGCTTGGCCAGTAAAATAATGACA[T>A]TCTGTTTCAAGGTTTGTATCATTCATTTTGTGTGTATGTGTGTGCTGAGGTATGTCAAGT-3'
Protein context (NP_001035957.1, residues 1277-1297): GNSLASKIMT[Phe1287Ile]CFKVYGATYL

ClinVar aggregate classification (germline): Uncertain significance (1 of 4 stars; one submission).

Conditions:
Cardiovascular phenotype. Identifiers: MedGen CN230736.
Hereditary cancer-predisposing syndrome. Also called: Neoplastic Syndromes, Hereditary; Tumor predisposition; Hereditary Cancer Syndrome; Hereditary neoplastic syndrome. Identifiers: Orphanet 140162, MedGen C0027672, MeSH D009386, MONDO:0015356.

Submission:

Ambry Genetics
Classification: Uncertain significance for Cardiovascular phenotype; Hereditary cancer-predisposing syndrome. Last evaluated: 2026-06-11. Review status: criteria provided, single submitter. Criteria: Ambry Variant Classification Scheme 2023. Collection method: clinical testing. Allele origin: germline.
Comment: The p.F1287I variant (also known as c.3859T>A), located in coding exon 28 of the NF1 gene, results from a T to A substitution at nucleotide position 3859. The phenylalanine at codon 1287 is replaced by isoleucine, an amino acid with highly similar properties. This amino acid position is highly conserved in available vertebrate species. In addition, this alteration is predicted to be deleterious by in silico analysis. Based on the available evidence, the clinical significance of this variant remains unclear.